The following is an entry in ClinVar:

ClinVar aggregate classification (germline): Uncertain significance (1 of 4 stars; one submission).

Conditions:
Epilepsy, X-linked 1, with variable learning disabilities and behavior disorders. Also called: X-linked epilepsy-learning disabilities-behavior disorders syndrome. Identifiers: Orphanet 85294, MedGen C5774177, MONDO:0010339, OMIM 300491.

Submission:

Labcorp Genetics (formerly Invitae), Labcorp
Classification: Uncertain significance for Epilepsy, X-linked 1, with variable learning disabilities and behavior disorders. Last evaluated: 2024-03-06. Review status: criteria provided, single submitter. Criteria: Invitae Variant Classification Sherloc (09022015). Collection method: clinical testing. Allele origin: germline.
Comment: This sequence change replaces asparagine, which is neutral and polar, with aspartic acid, which is acidic and polar, at codon 19 of the SYN1 protein (p.Asn19Asp). This variant is not present in population databases (gnomAD no frequency). This variant has not been reported in the literature in individuals affected with SYN1-related conditions. An algorithm developed to predict the effect of missense changes on protein structure and function (PolyPhen-2) suggests that this variant is likely to be disruptive. In summary, the available evidence is currently insufficient to determine the role of this variant in disease. Therefore, it has been classified as a Variant of Uncertain Significance.

NM_006950.3(SYN1):c.55A>G (p.Asn19Asp)

Gene: SYN1 (synapsin I; minus strand). Cytogenetic location: Xp11.23.
Variant type: single nucleotide variant.
Coding change: c.55A>G on transcript NM_006950.3 (MANE Select); coding-DNA position 55, A replaced by G.
Protein change: p.Asn19Asp; replaces asparagine 19 with aspartic acid.
Molecular consequence: missense variant.
Genome position (GRCh38, 1-based): chrX:47,619,674, T>C on the plus strand (A>G on the coding strand, the complement: SYN1 is on the minus strand). VCF-style: chrX-47619674-T-C. GRCh37 (hg19) VCF-style: chrX-47479073-T-C.
Other names: c.55A>G, p.Asn19Asp (NM_133499.2); short protein forms N19D.
Identifiers: ClinVar variation 3644774 (VCV003644774.2).